The following is an entry in ClinVar:

ClinVar aggregate classification (germline): Uncertain significance (1 of 4 stars; one submission).

Conditions:
Inborn genetic diseases. Identifiers: MedGen C0950123, MeSH D030342.

gnomAD v4.1: 1 of 1,565,150 alleles (0.000064%); highest among the groups gnomAD compares: African/African-American, 0.0014%; no homozygotes.

Submission:

Ambry Genetics
Classification: Uncertain significance for Inborn genetic diseases. Last evaluated: 2025-10-29. Review status: criteria provided, single submitter. Criteria: Ambry Variant Classification Scheme 2023. Collection method: clinical testing. Allele origin: germline.
Comment: The p.M490I variant (also known as c.1470G>A), located in coding exon 8 of the RECQL4 gene, results from a G to A substitution at nucleotide position 1470. The methionine at codon 490 is replaced by isoleucine, an amino acid with highly similar properties. This amino acid position is conserved. In addition, the in silico prediction for this alteration is inconclusive. Based on the available evidence, the clinical significance of this variant remains unclear.

NM_004260.4(RECQL4):c.1470G>A (p.Met490Ile)

Gene: RECQL4 (RecQ like helicase 4; minus strand). Cytogenetic location: 8q24.3.
Variant type: single nucleotide variant.
Coding change: c.1470G>A on transcript NM_004260.4 (MANE Select); coding-DNA position 1470, G replaced by A.
Protein change: p.Met490Ile; replaces methionine 490 with isoleucine.
Molecular consequence: missense variant. On other transcripts: initiator codon variant (1), non-coding transcript variant (3).
Genome position (GRCh38, 1-based): chr8:144,515,163, C>T on the plus strand (G>A on the coding strand, the complement: RECQL4 is on the minus strand). VCF-style: chr8-144515163-C-T. GRCh37 (hg19) VCF-style: chr8-145740547-C-T.
Other names: c.1470G>A, p.Met490Ile (NM_001413018.1, NM_001413019.1, NM_001413039.1 and 2 more transcripts); c.1374G>A, p.Met458Ile (NM_001413020.1, NM_001413017.1); c.399G>A, p.Met133Ile (NM_001413021.1, NM_001413022.1, NM_001413023.1 and 8 more transcripts); c.1341G>A, p.Met447Ile (NM_001413025.1); c.333G>A, p.Met111Ile (NM_001413027.1, NM_001413041.1, NM_001413030.1 and 2 more transcripts); c.3G>A, p.Met1Ile (NM_001413043.1); c.1119G>A, p.Met373Ile (NM_001413029.1); short protein forms M458I, M490I, M111I, M373I, M447I, M133I, M1I.
Identifiers: ClinVar variation 4628960 (VCV004628960.1).